The following is an entry in ClinVar:

NM_001367498.1(CNTNAP5):c.2992+5C>G

Gene: CNTNAP5 (contactin associated protein family member 5; plus strand). Cytogenetic location: 2q14.3.
Variant type: single nucleotide variant.
Coding change: c.2992+5C>G on transcript NM_001367498.1 (MANE Select); 5 bases into the intron after coding-DNA position 2992, C replaced by G.
Molecular consequence: intron variant.
Genome position (GRCh38, 1-based): chr2:124,790,146, C>G. VCF-style: chr2-124790146-C-G. GRCh37 (hg19) VCF-style: chr2-125547723-C-G.
Other names: c.2989+5C>G (NM_130773.4).
Identifiers: ClinVar variation 714037 (VCV000714037.6), dbSNP rs115568798, ClinGen allele CA1856323.

ClinVar aggregate classification (germline): Benign. Review status: criteria provided, single submitter (1 of 4 stars). 2 submissions from 2 submitters: Benign (1). 1 of the submissions does not count toward it. Last evaluated 2019-12-31.

Conditions:
CNTNAP5-related disorder. Also called: CNTNAP5-related condition.

Allele frequency attached by ClinVar (database versions not stated): gnomAD exomes 0.00022 and 0.00061; ExAC 0.00097; gnomAD 0.00236 and 0.00244; ESP Exome Variant Server 0.00258; TOPMed 0.00305; 1000 Genomes Project 30x 0.00390; 1000 Genomes Project 0.00399.
gnomAD v4.1: 714 of 1,607,314 alleles (0.044%); highest among the groups gnomAD compares: African/African-American, 0.77%; 6 homozygotes.

Submissions (2):

Labcorp Genetics (formerly Invitae), Labcorp
Classification: Benign. Last evaluated: 2019-12-31. Review status: criteria provided, single submitter. Criteria: Invitae Variant Classification Sherloc (09022015). Collection method: clinical testing. Allele origin: germline.

PreventionGenetics, part of Exact Sciences
Classification: Benign for CNTNAP5-related condition. Last evaluated: 2019-08-16. Review status: no assertion criteria provided. Collection method: clinical testing. Allele origin: germline. Not counted in ClinVar's aggregate classification.
Comment: This variant is classified as benign based on ACMG/AMP sequence variant interpretation guidelines (Richards et al. 2015 PMID: 25741868, with internal and published modifications).